The following is an entry in ClinVar:

NM_000552.5(VWF):c.4678_4680dup (p.Asp1560_Ile1561insAsp)

Gene: VWF (von Willebrand factor; minus strand). Cytogenetic location: 12p13.31.
Variant type: Duplication.
Coding change: c.4678_4680dup on transcript NM_000552.5 (MANE Select); coding-DNA positions 4678 to 4680, 3 bases duplicated (GAC; older notation c.4678_4680dupGAC).
Protein change: p.Asp1560_Ile1561insAsp.
Molecular consequence: inframe insertion.
Genome position (GRCh38, 1-based): chr12:6,018,738-6,018,740, GTC duplicated on the plus strand (GAC on the coding strand, the reverse complement: VWF is on the minus strand). VCF-style (leftmost placement, unchanged base first): chr12-6018737-T-TGTC. GRCh37 (hg19) VCF-style: chr12-6127903-T-TGTC.
Other names: NM_000552.5:c.4678_4680dup.
Identifiers: ClinVar variation 3393381 (VCV003393381.1).

ClinVar aggregate classification (germline): Uncertain significance (3 of 4 stars; one submission).

Conditions:
Von Willebrand disease type 2A. Identifiers: Orphanet 166084, MedGen C1282968, MONDO:0015628. Inheritance: Autosomal recessive or autosomal dominant.

Submission:

ClinGen von Willebrand Disease Variant Curation Expert Panel, ClinGen
Classification: Uncertain significance for Von Willebrand disease type 2A. Last evaluated: 2024-09-03. Review status: reviewed by expert panel. Criteria: ClinGen VWD 2A B M Rules. Collection method: curation. Allele origin: germline. Inheritance: Autosomal dominant inheritance.
Comment: The NM_000552.5(VWF):c.4678_4680dup (p.Asp1560_Ile1561insAsp) variant is predicted to cause a change in the length of the protein due to an in-frame insertion of 1 amino acid in a non-repeat region (PM4). It is absent from gnomADv4.1 (PM2_supporting). At least 1 patient with this variant displayed excessive mucocutaneous bleeding as well as a laboratory phenotypes of very low VWF activity (VWF:Rco 5 U/dL), low activity/VWF:Ag ratio (0.26), and loss of high molecular weight multimers, which is highly specific for VWD type 2A. (PP4_Moderate, PMID: 28971901). In summary, this variant classifies as uncertain significance based on ACMG criteria as specified by the VWD VCEP: PM4, PM2_supporting, and PP4_Moderate.